The following is an entry in ClinVar:

ClinVar aggregate classification (germline): Uncertain significance (1 of 4 stars; one submission).

Allele frequency attached by ClinVar (database versions not stated): TOPMed below 0.00001; gnomAD 0.00001.
gnomAD v4.1: 19 of 1,613,278 alleles (0.0012%); highest among the groups gnomAD compares: East Asian, 0.0022%; no homozygotes.

Submission:

Labcorp Genetics (formerly Invitae), Labcorp
Classification: Uncertain significance. Last evaluated: 2023-01-14. Review status: criteria provided, single submitter. Criteria: Invitae Variant Classification Sherloc (09022015). Collection method: clinical testing. Allele origin: germline.
Comment: In summary, the available evidence is currently insufficient to determine the role of this variant in disease. Therefore, it has been classified as a Variant of Uncertain Significance. Advanced modeling of protein sequence and biophysical properties (such as structural, functional, and spatial information, amino acid conservation, physicochemical variation, residue mobility, and thermodynamic stability) performed at Invitae indicates that this missense variant is not expected to disrupt LMX1B protein function. This variant has not been reported in the literature in individuals affected with LMX1B-related conditions. This variant is not present in population databases (gnomAD no frequency). This sequence change replaces proline, which is neutral and non-polar, with alanine, which is neutral and non-polar, at codon 326 of the LMX1B protein (p.Pro326Ala).

NM_001174147.2(LMX1B):c.976C>G (p.Pro326Ala)

Gene: LMX1B (LIM homeobox transcription factor 1 beta; plus strand). Cytogenetic location: 9q33.3.
Variant type: single nucleotide variant.
Coding change: c.976C>G on transcript NM_001174147.2 (MANE Select); coding-DNA position 976, C replaced by G.
Protein change: p.Pro326Ala; replaces proline 326 with alanine.
Molecular consequence: missense variant.
Genome position (GRCh38, 1-based): chr9:126,695,928, C>G. VCF-style: chr9-126695928-C-G. GRCh37 (hg19) VCF-style: chr9-129458207-C-G.
Other names: c.1009C>G, p.Pro337Ala (NM_001174146.2); c.976C>G, p.Pro326Ala (NM_002316.4); short protein forms P337A, P326A.
Identifiers: ClinVar variation 2998000 (VCV002998000.3), dbSNP rs1460473118, ClinGen allele CA374915604.